The following is an entry in ClinVar:

NM_172364.5(CACNA2D4):c.2671T>C (p.Phe891Leu)

Gene: CACNA2D4 (calcium voltage-gated channel auxiliary subunit alpha2delta 4; minus strand). Cytogenetic location: 12p13.33.
Variant type: single nucleotide variant.
Coding change: c.2671T>C on transcript NM_172364.5 (MANE Select); coding-DNA position 2671, T replaced by C.
Protein change: p.Phe891Leu; replaces phenylalanine 891 with leucine.
Molecular consequence: missense variant.
Genome position (GRCh38, 1-based): chr12:1,810,328, A>G on the plus strand (T>C on the coding strand, the complement: CACNA2D4 is on the minus strand). VCF-style: chr12-1810328-A-G. GRCh37 (hg19) VCF-style: chr12-1919494-A-G.
Other names: short protein forms F891L.
Identifiers: ClinVar variation 1366915 (VCV001366915.8), dbSNP rs2154445807, ClinGen allele CA383350021.
Genomic context (GRCh38, chr12:1,810,328, plus strand): 5'-AGTGACTCACCTCTCGGGACCTCTTGGAGATCAGAATGAACCCGTTGTTGTCGATGACGA[A>G]GCAGTCCAGATCCTGGGAGGAAACCCAGAAGGGAGGTTATGCCAGGGCCCTCACCCACCC-3'
Protein context (NP_758952.4, residues 881-901): QSCEDSDLDC[Phe891Leu]VIDNNGFILI

ClinVar aggregate classification (germline): Uncertain significance (1 of 4 stars; one submission).

gnomAD v4.1: 1 of 1,613,920 alleles (0.000062%); highest among the groups gnomAD compares: Non-Finnish European, 0.000085%; no homozygotes.

Submission:

Labcorp Genetics (formerly Invitae), Labcorp
Classification: Uncertain significance. Last evaluated: 2022-07-06. Review status: criteria provided, single submitter. Criteria: Invitae Variant Classification Sherloc (09022015). Collection method: clinical testing. Allele origin: germline.
Comment: In summary, the available evidence is currently insufficient to determine the role of this variant in disease. Therefore, it has been classified as a Variant of Uncertain Significance. Algorithms developed to predict the effect of missense changes on protein structure and function output the following: SIFT: "Deleterious"; PolyPhen-2: "Benign"; Align-GVGD: "Class C0". The leucine amino acid residue is found in multiple mammalian species, which suggests that this missense change does not adversely affect protein function. ClinVar contains an entry for this variant (Variation ID: 1366915). This variant has not been reported in the literature in individuals affected with CACNA2D4-related conditions. This variant is not present in population databases (gnomAD no frequency). This sequence change replaces phenylalanine, which is neutral and non-polar, with leucine, which is neutral and non-polar, at codon 891 of the CACNA2D4 protein (p.Phe891Leu).